The following is an entry in ClinVar:

NM_001387283.1(SMARCA4):c.4183A>G (p.Lys1395Glu)

Gene: SMARCA4 (SWI/SNF related BAF chromatin remodeling complex subunit ATPase 4; plus strand). Cytogenetic location: 19p13.2.
Variant type: single nucleotide variant.
Coding change: c.4183A>G on transcript NM_001387283.1 (MANE Plus Clinical); coding-DNA position 4183, A replaced by G.
Protein change: p.Lys1395Glu; replaces lysine 1395 with glutamic acid.
Molecular consequence: missense variant. On other transcripts: intron variant (7).
Genome position (GRCh38, 1-based): chr19:11,039,470, A>G. VCF-style: chr19-11039470-A-G. GRCh37 (hg19) VCF-style: chr19-11150146-A-G.
Other names: c.4183A>G, p.Lys1395Glu (NM_001128849.3); c.4171-1837A>G (NM_001128844.3, NM_003072.5); c.4072-1837A>G (NM_001128847.4, NM_001374457.1, NM_001128848.2); c.4072-1828A>G (NM_001128845.2, NM_001128846.2); short protein forms K1395E.
Identifiers: ClinVar variation 1516717 (VCV001516717.8), dbSNP rs2146775283, ClinGen allele CA404071105.

ClinVar aggregate classification (germline): Uncertain significance (1 of 4 stars; one submission).

Conditions:
Rhabdoid tumor predisposition syndrome 2 (RTPS2). Identifiers: Orphanet 231108, Orphanet 69077, MedGen C2750074, MONDO:0013224, OMIM 613325.

Submission:

Labcorp Genetics (formerly Invitae), Labcorp
Classification: Uncertain significance for Rhabdoid tumor predisposition syndrome 2. Last evaluated: 2021-03-14. Review status: criteria provided, single submitter. Criteria: Invitae Variant Classification Sherloc (09022015). Collection method: clinical testing. Allele origin: germline.
Comment: Algorithms developed to predict the effect of missense changes on protein structure and function (SIFT, PolyPhen-2, Align-GVGD) all suggest that this variant is likely to be tolerated, but these predictions have not been confirmed by published functional studies and their clinical significance is uncertain. In summary, the available evidence is currently insufficient to determine the role of this variant in disease. Therefore, it has been classified as a Variant of Uncertain Significance. This variant has not been reported in the literature in individuals with SMARCA4-related conditions. This variant is not present in population databases (ExAC no frequency). This sequence change replaces lysine with glutamic acid at codon 1395 of the SMARCA4 protein (p.Lys1395Glu). The lysine residue is weakly conserved and there is a small physicochemical difference between lysine and glutamic acid.